The following is an entry in ClinVar:

ClinVar aggregate classification (germline): Benign. Review status: criteria provided, multiple submitters, no conflicts (2 of 4 stars). 4 submissions from 4 submitters: Benign (4). Last evaluated 2026-01-19.

Conditions:
Epilepsy, childhood absence, susceptibility to, 1. Also called: Epilepsy, childhood absence 1. Identifiers: Orphanet 64280, MedGen C1838604, MONDO:0020759, OMIM 600131.
Epilepsy, childhood absence, susceptibility to, 5. Identifiers: Orphanet 64280, MedGen C2677087, MONDO:0012843, OMIM 612269.

Allele frequency attached by ClinVar (database versions not stated): 1000 Genomes Project 0.19808; 1000 Genomes Project 30x 0.19394; TOPMed 0.15950.

Submissions (4):

Labcorp Genetics (formerly Invitae), Labcorp
Classification: Benign for Epilepsy, childhood absence, susceptibility to, 5; Epilepsy, childhood absence, susceptibility to, 1. Last evaluated: 2026-01-19. Review status: criteria provided, single submitter. Criteria: Invitae Variant Classification Sherloc (09022015). Collection method: clinical testing. Allele origin: germline.

Unidad de Genómica Garrahan, Hospital de Pediatría Garrahan
Classification: Benign. Last evaluated: 2024-07-15. Review status: criteria provided, single submitter. Criteria: ACMG Guidelines, 2015. Collection method: clinical testing. Allele origin: germline. Affected: no. Observed: 29 variant alleles.
Comment: This variant is classified as Benign based on local population frequency. This variant was detected in 31% of patients studied in a panel designed for Epileptic and Developmental Encephalopathy and Progressive Myoclonus Epilepsy. Number of patients: 29. Only high quality variants are reported.

GeneDx
Classification: Benign. Last evaluated: 2018-06-14. Review status: criteria provided, single submitter. Criteria: GeneDx Variant Classification (06012015). Collection method: clinical testing. Allele origin: germline. Affected: yes.
Comment: This variant is considered likely benign or benign based on one or more of the following criteria: it is a conservative change, it occurs at a poorly conserved position in the protein, it is predicted to be benign by multiple in silico algorithms, and/or has population frequency not consistent with disease.

Breakthrough Genomics
Classification: Benign. Review status: criteria provided, single submitter. Criteria: ACMG Guidelines, 2015. Collection method: not provided. Allele origin: germline. Inheritance: Autosomal dominant inheritance. Affected: yes.

NC_000015.10:g.26773790G>C

Gene: GABRB3 (gamma-aminobutyric acid type A receptor subunit beta3; minus strand). Cytogenetic location: 15q12.
Variant type: single nucleotide variant.
Genome position: GRCh38 VCF-style: chr15-26773790-G-C. GRCh37 (hg19) VCF-style: chr15-27018937-G-C.
Identifiers: ClinVar variation 681728 (VCV000681728.12), dbSNP rs20317, ClinGen allele CA268179743.